The following is an entry in ClinVar:

NM_014244.5(ADAMTS2):c.1630-287del

Gene: ADAMTS2 (ADAM metallopeptidase with thrombospondin type 1 motif 2; minus strand). Cytogenetic location: 5q35.3.
Variant type: Deletion.
Coding change: c.1630-287del on transcript NM_014244.5 (MANE Select); 287 bases into the intron before coding-DNA position 1630, one base deleted (G; older notation c.1630-287delG).
Molecular consequence: intron variant.
Genome position (GRCh38, 1-based): chr5:179,140,322, C deleted on the plus strand (G on the coding strand, the reverse complement: ADAMTS2 is on the minus strand). VCF-style (leftmost placement, unchanged base first): chr5-179140321-AC-A. GRCh37 (hg19) VCF-style: chr5-178567322-AC-A.
Identifiers: ClinVar variation 669735 (VCV000669735.1), dbSNP rs35662050, ClinGen allele CA133040527.

ClinVar aggregate classification (germline): Likely benign (1 of 4 stars; one submission).

Allele frequency attached by ClinVar (database versions not stated): 1000 Genomes Project 0.00579; 1000 Genomes Project 30x 0.00593; TOPMed 0.00933; gnomAD 0.00951 and 0.00974.

Submission:

GeneDx
Classification: Likely benign. Last evaluated: 2018-06-14. Review status: criteria provided, single submitter. Criteria: GeneDx Variant Classification (06012015). Collection method: clinical testing. Allele origin: germline. Affected: yes.
Comment: This variant is considered likely benign or benign based on one or more of the following criteria: it is a conservative change, it occurs at a poorly conserved position in the protein, it is predicted to be benign by multiple in silico algorithms, and/or has population frequency not consistent with disease.